The following continues an entry in ClinVar:

NM_000235.4(LIPA):c.894G>A (p.Gln298=)

Gene: LIPA. ClinVar aggregate classification (germline): Pathogenic/Likely pathogenic. Pathogenic (27); Likely pathogenic (3).

Submissions 10 to 24 of 49:

GENinCode PLC
Classification: Pathogenic for Lysosomal acid lipase deficiency. Last evaluated: 2025-01-07. Review status: criteria provided, single submitter. Criteria: ACMG Guidelines, 2015. Collection method: clinical testing. Allele origin: germline. Affected: yes.
Comment: The c.894G>A p.(Gln298=) variant in LIPA has been reported in the homozygous and compound heterozygous state in numerous patients with a clinical diagnosis of Lysosomal acid lipase deficiency (PM3_VERY STRONG, PP4_SUPPORTING; PMIDs 7751811, 7759067, 8254026, 8598644, 8617513, 9684740, 10562460, 22227072, 23424026, 23485521, 24072694, 25722898, 28502505, 28220406, 29958253, 31182375, 31392116, 32058863, internal data). This variant has also been shown to segregate with disease in multiple families (PP1_STRONG; PMIDs 24072694, 28502505, 31182375, 31392116, internal data). Functional studies have demonstrated that this variant leads to skipping of exon 8 in 95% of mRNA transcripts and the recombinant mutant protein lacks functional activity (PS3_STRONG; PMIDs 7751811, 9684740). Based on the evidence listed above, this variant has been classified as pathogenic.

Blueprint Genetics
Classification: Pathogenic for LIPA-related disorders. Last evaluated: 2024-11-20. Review status: criteria provided, single submitter. Criteria: ACMG Guidelines, 2015. Collection method: clinical testing. Allele origin: germline. Affected: yes. Observed: 5 variant alleles.

KardioGenetik, Herz- und Diabeteszentrum NRW
Classification: Pathogenic for Cholesteryl ester storage disease. Last evaluated: 2024-09-25. Review status: criteria provided, single submitter. Criteria: ACMG Guidelines, 2015. Collection method: clinical testing. Allele origin: unknown. Affected: yes. Observed: 1 variant allele.
Comment: heterozygous state, elevated ALT activity, PVS1_strong, PS3_supporting, PP1_strong

Fulgent Genetics
Classification: Pathogenic for Cholesteryl ester storage disease; Wolman disease. Last evaluated: 2024-03-04. Review status: criteria provided, single submitter. Criteria: ACMG Guidelines, 2015. Collection method: clinical testing. Allele origin: germline.

Institute of Human Genetics, University of Leipzig Medical Center
Classification: Pathogenic for Cholesteryl ester storage disease. Last evaluated: 2024-02-05. Review status: criteria provided, single submitter. Criteria: ACMG Guidelines, 2015. Collection method: clinical testing. Allele origin: unknown. Inheritance: Autosomal recessive inheritance. Affected: yes.
Comment: Criteria applied: PM3_VSTR,PS3,PP4

Laboratory of Medical Genetics, National & Kapodistrian University of Athens
Classification: Pathogenic for Cholesteryl ester storage disease. Last evaluated: 2024-02-01. Review status: criteria provided, single submitter. Criteria: ACMG Guidelines, 2015. Collection method: curation. Allele origin: germline. Affected: no.

Department of Pathology and Laboratory Medicine, Sinai Health System
Classification: Pathogenic for Cholesteryl ester storage disease; Wolman disease. Last evaluated: 2023-05-23. Review status: criteria provided, single submitter. Criteria: ACMG Guidelines, 2015. Collection method: research. Allele origin: germline.

Payam Genetics Center, General Welfare Department of North Khorasan Province
Classification: Pathogenic for Wolman disease. Last evaluated: 2023-03-01. Review status: criteria provided, single submitter. Criteria: ACMG Guidelines, 2015. Collection method: clinical testing. Allele origin: germline. Affected: no. Observed: 1 variant allele.

Women's Health and Genetics/Laboratory Corporation of America, LabCorp
Classification: Pathogenic for Wolman disease. Last evaluated: 2022-06-29. Review status: criteria provided, single submitter. Criteria: LabCorp Variant Classification Summary - May 2015. Collection method: clinical testing. Allele origin: germline.
Comment: Variant summary: LIPA c.894G>A (p.Gln298Gln) alters a conserved nucleotide in a canonical splice site and therefore could affect mRNA splicing, leading to a significantly altered protein sequence. Several computational tools predict a significant impact on normal splicing: Two predict the variant abolishes a 5' splicing donor site and two predict the variant weakens a 5' donor site. Multiple publications report experimental evidence that this variant disrupts the normal splicing sequence, resulting in alternate splicing and the skipping of exon 8 (e.g. Aslandis_1996, Pagani_1998). Although this has been shown to produce an inactive protein, the variant produces a small proportion (3-5%) of mRNA transcripts which are spliced correctly, resulting in a residual level of enzyme activity (e.g. Aslandis_1996, Pagani_1998). The variant allele was found at a frequency of 0.00091 in 251194 control chromosomes (gnomAD), predominantly at a frequency of 0.0013 within the Non-Finnish European subpopulation in the gnomAD database. c.894G>A has been reported in the literature in the homozygous and compound heterozygous state in many individuals affected with Lysosomal Acid Lipase Deficiency and has been noted as one of the most common pathogenic variants associated with this disorder (e.g.Fasano_2012, Lipinski_2018, Consuelo-Sanchez_2019, Mayanskiy_2019). These data indicate that the variant is very likely to be associated with disease. Thirteen assessments for this variant have been submitted to ClinVar after 2014. Twelve submitters classified the variant as pathogenic and one classified it as likely pathogenic. Based on the evidence outlined above, the variant was classified as pathogenic.

Revvity Omics, Revvity
Classification: Pathogenic. Last evaluated: 2022-04-29. Review status: criteria provided, single submitter. Criteria: ACMG Guidelines, 2015. Collection method: clinical testing. Allele origin: germline.

CENTOGENE GmbH and LLC - Guiding Precision Medicine
Classification: Pathogenic for Cholesteryl ester storage disease. Last evaluated: 2021-11-23. Review status: criteria provided, single submitter. Criteria: ACMG Guidelines, 2015. Collection method: clinical testing. Allele origin: germline. Affected: yes.

Myriad Genetics, Inc.
Classification: Pathogenic for Cholesteryl ester storage disease. Last evaluated: 2021-11-08. Review status: criteria provided, single submitter. Criteria: Myriad Women's Health Autosomal Recessive and X-Linked Classification Criteria (2021). Collection method: clinical testing. Allele origin: unknown.
Comment: NM_000235.2(LIPA):c.894G>A(Q298=) is a silent variant classified as pathogenic in the context of lysosomal acid lipase deficiency. Q298= has been observed in cases with relevant disease (PMID: 22227072, 31182375). Functional assessments of this variant are available in the literature (PMID: 22227072, 21757691, 10562460). Q298= has been observed in population frequency databases (gnomAD: NFE 0.13%). In summary, NM_000235.2(LIPA):c.894G>A(Q298=) is a silent variant that has functional support for pathogenicity and has been observed more frequently in cases with the relevant disease than in healthy populations. Please note: this variant was assessed in the context of healthy population screening.

Center for Genomics, Ann and Robert H. Lurie Children's Hospital of Chicago
Classification: Pathogenic for Cholesteryl ester storage disease. Last evaluated: 2021-03-30. Review status: criteria provided, single submitter. Criteria: ACMG Guidelines, 2015. Collection method: clinical testing. Allele origin: germline.
Comment: LIPA NM_000235.3 exon 8 p.Gln298= (c.894G>A): This variant has been reported in the literature in several individuals with Lysosomal Acid Lipase Deficiency and is one of the most common pathogenic variants for this gene, including a GeneReviews entry (Pisciotta 2009 PMID:19307143, Fasano 2012 PMID:22227072, Bernstein 2013 PMID:23485521, Hoffman 2016 PMID:26225414). This variant is present in 0.1% (164/126436) of European alleles in the Genome Aggregation Database. This variant is present in ClinVar, with several labs classifying this variant as pathogenic (Variation ID:203361). Evolutionary conservation and computational predictive tools for this variant are limited or unavailable. Of note, this variant is a silent variant and does not change the amino acid; however, functional studies suggest that this variant disrupts the normal splicing sequence, resulting in the alternate splicing and skipping of exon 8 (Pisciotta 2009 PMID:19307143, Fasano 2012 PMID:22227072, Bernstein 2013 PMID:23485521, Hoffman 2016 PMID:26225414). In summary, this variant is classified as pathogenic.

GeneDx
Classification: Pathogenic. Last evaluated: 2020-08-12. Review status: criteria provided, single submitter. Criteria: GeneDx Variant Classification Process June 2021. Collection method: clinical testing. Allele origin: germline. Affected: yes.
Comment: Published functional studies demonstrate abnormal splicing resulting in an in-frame skipping of exon 8, with 3-5% of mRNA being spliced correctly (Fasano et al., 2012); This variant is associated with the following publications: (PMID: 8254026, 10562460, 7751811, 21757691, 26350820, 27423329, 28502505, 30249571, 32093730, 22227072, 19307143, 23424026, 25722898, 22795295, 24072694, 16255772, 29884776, 25852113, 30548430, 30684275, 28502515, 29982809, 30056760, 29958253, 32382506, 31980526, 34426522, 33857477, 31589614, 33108087, 33269076, 7759067, 32432142, 32531373)

Institute of Human Genetics, University of Leipzig Medical Center
Classification: Pathogenic for Cholesteryl ester storage disease. Last evaluated: 2018-10-01. Review status: criteria provided, single submitter. Criteria: ACMG Guidelines, 2015. Collection method: clinical testing. Allele origin: germline. Affected: yes. Observed: 1 variant allele.